The following is an entry in ClinVar:

NM_000152.5(GAA):c.670C>T (p.Arg224Trp)

Gene: GAA (alpha glucosidase; plus strand). Cytogenetic location: 17q25.3.
Variant type: single nucleotide variant.
Coding change: c.670C>T on transcript NM_000152.5 (MANE Select); coding-DNA position 670, C replaced by T.
Protein change: p.Arg224Trp; replaces arginine 224 with tryptophan.
Molecular consequence: missense variant.
Genome position (GRCh38, 1-based): chr17:80,105,872, C>T. VCF-style: chr17-80105872-C-T. GRCh37 (hg19) VCF-style: chr17-78079671-C-T.
Other names: c.670C>T (LRG_673t1); c.670C>T, p.Arg224Trp (NM_001079803.3, NM_001079804.3); short protein forms R224W.
Identifiers: ClinVar variation 189188 (VCV000189188.46), dbSNP rs757700700, ClinGen allele CA274477.

ClinVar aggregate classification (germline): Pathogenic. Review status: reviewed by expert panel (3 of 4 stars). 19 submissions from 19 submitters: Pathogenic (1). 18 of the submissions do not count toward it. Last evaluated 2020-05-03.

Conditions:
Cardiovascular phenotype. Identifiers: MedGen CN230736.
GAA-related disorders.
GAA-related disorder. Also called: GAA-related condition.
Glycogen storage disease, type II (IOPD). Also called: Glucosidase acid-1,4-alpha deficiency; CARDIOMEGALIA GLYCOGENICA DIFFUSA; GLYCOGENOSIS, GENERALIZED, CARDIAC FORM; GSD II; Pompe Disease; Glycogen storage disease type 2. Identifiers: Orphanet 365, MedGen C0017921, MONDO:0009290, OMIM 232300.

Allele frequency attached by ClinVar (database versions not stated): gnomAD 0.00001 and 0.00002; TOPMed 0.00001; gnomAD exomes 0.00002 and 0.00003; ExAC 0.00003.

Submissions 1 to 10 of 19:

ClinGen Lysosomal Storage Disorder Variant Curation Expert Panel
Classification: Pathogenic for Glycogen storage disease, type II. Last evaluated: 2020-05-03. Review status: reviewed by expert panel. Criteria: ClinGen LSD ACMG Specifications v1. Collection method: curation. Allele origin: germline. Inheritance: Autosomal recessive inheritance.
Comment: This variant, c.670C>T (p.Arg224Trp) has been reported in at least 6 individuals with Pompe disease and deficient GAA activity meeting the ClinGen LSD VCEP's PP4 specifications. All of these individuals are compound heterozygous for the variant and a unique pathogenic variant, including c.-32-13T>G (PMID 25673129; phase unknown), c.525delT (PMID 12923862; phase unknown), c.763Câ€Š>â€ŠT (p.Gln255Ter) (PMID 25026126, confirmed in trans), c.2237G>A (p.Trp746Ter) (PMID 12923862; phase unknown), c.1064T>C (p.Leu355Pro)(PMID 23632174; confirmed in trans), and c.1979G>A (p.Arg660His) (PMID 14643388; phase unknown). These data meet PM3_Strong. Note that the in trans data from the patients with c.1064T>C (p.Leu355Pro) and c.1979G>A (p.Arg660His) will be used in the assessment of those variants and was not used here in order to avoid a circular argument. The highest population minor allele frequency in gnomAD v2.1.1 is 0.00005 in the European non-Finnish population, meeting PM2. The score for the in silico meta-predictor REVEL, does not meet PP3 or BP4. However, when expressed in COS cells, this variant results in significantly reduced GAA activity, <10% of wild type (PMID 12923862, 14643388, 19862843), meeting PS3. There is a ClinVar entry for this variant (Variation ID: 189188, 1 star review status), with two submitters classifying the variant as pathogenic, one as likely pathogenic, and one as a variant of uncertain significance. In summary, the variant meets the criteria to be classified as pathogenic for Pompe disease. GAA-specific ACMG/AMP criteria applied, as specified by the ClinGen LSD VCEP: PS3, PM2, PM3_Strong, PP4.

PreventionGenetics, part of Exact Sciences
Classification: Pathogenic for GAA-related condition. Last evaluated: 2026-07-22. Review status: criteria provided, single submitter. Criteria: ACMG Guidelines, 2015. Collection method: clinical testing. Allele origin: germline. Not counted in ClinVar's aggregate classification.
Comment: The GAA c.670C>T variant is predicted to result in the amino acid substitution p.Arg224Trp. This variant has been reported with a second GAA variant in many individuals with autosomal recessive glycogen storage disease (for example, see Pittis et al 2003. PubMed ID: 12923862; Zouheir Habbal et al 2013. PubMed ID: 23632174; Parini et al 2018. PubMed ID: 29422078). This variant is reported in 0.0047% of alleles in individuals of European (non-Finnish) descent in gnomAD and is classified as Pathogenic by the ClinGen Lysosomal Storage Disorder Expert Panel (Variation ID:189188). This variant is interpreted as pathogenic.

Genomenon, Inc
Classification: Pathogenic for Glycogen storage disease, type II. Last evaluated: 2026-07-01. Review status: criteria provided, single submitter. Criteria: Genomenon Sequence Variant Interpretation Standards - Updated. Collection method: curation. Allele origin: germline. Affected: yes. Not counted in ClinVar's aggregate classification.
Comment: GAA p.Arg224Trp (c.670C>T) is a missense variant that changes the amino acid at codon 224 from Arginine to Tryptophan. This variant has been observed in at least one proband with a GAA-related disorder in the compound heterozygous and/or homozygous state (PMID:40660301;39273088;38524130;38250073;38043017;34852371;34734785;33741225;33073009;31193175;27858647;29356433). At least one functional study has demonstrated a substantial alteration in protein function relative to the wild-type (PMID:36246652;33560568;12923862;14643388;19862843). It is absent or not present at a significant frequency in gnomAD. In conclusion, we classify GAA p.Arg224Trp (c.670C>T) as a pathogenic variant.

CeGaT Center for Human Genetics Tuebingen
Classification: Pathogenic. Last evaluated: 2026-05-01. Review status: criteria provided, single submitter. Criteria: CeGaT Center For Human Genetics Tuebingen Variant Classification Criteria Version 2. Collection method: clinical testing. Allele origin: germline. Affected: yes. Observed: 1 variant allele. Not counted in ClinVar's aggregate classification.
Comment: GAA: PM3:Very Strong, PM2, PM5, PS3:Supporting

Natera, Inc.
Classification: Pathogenic for Glycogen storage disease type II. Last evaluated: 2025-11-20. Review status: criteria provided, single submitter. Criteria: Natera Variant Classification Schema (03/2026). Collection method: clinical testing. Allele origin: germline. Not counted in ClinVar's aggregate classification.
Comment: The c.670C>T variant in GAA is a missense variant predicted to cause substitution of arginine to tryptophan at amino acid 224. This variant is rare in the general population with a frequency below the threshold expected for the associated phenotype(s). This variant has been observed in one or more individuals affected with the associated recessive disease, as either homozygous or compound heterozygous with a second variant (PMID: 33741225, 23632174, 12923862). Computational prediction algorithms indicate this variant is likely to affect gene or protein function. Given the available evidence, this variant is classified as Pathogenic.

Labcorp Genetics (formerly Invitae), Labcorp
Classification: Pathogenic for Glycogen storage disease, type II. Last evaluated: 2025-11-11. Review status: criteria provided, single submitter. Criteria: Invitae Variant Classification Sherloc (09022015). Collection method: clinical testing. Allele origin: germline. Not counted in ClinVar's aggregate classification.
Comment: This sequence change replaces arginine, which is basic and polar, with tryptophan, which is neutral and slightly polar, at codon 224 of the GAA protein (p.Arg224Trp). This variant is present in population databases (rs757700700, gnomAD 0.004%). This missense change has been observed in individuals with Pompe disease (PMID: 12923862, 14643388, 18429042, 25026126, 29422078). ClinVar contains an entry for this variant (Variation ID: 189188). Invitae Evidence Modeling of protein sequence and biophysical properties (such as structural, functional, and spatial information, amino acid conservation, physicochemical variation, residue mobility, and thermodynamic stability) indicates that this missense variant is expected to disrupt GAA protein function with a positive predictive value of 95%. Experimental studies have shown that this missense change affects GAA function (PMID: 12923862, 14643388, 19862843). For these reasons, this variant has been classified as Pathogenic.

Ambry Genetics
Classification: Pathogenic for Cardiovascular phenotype. Last evaluated: 2025-05-02. Review status: criteria provided, single submitter. Criteria: Ambry Variant Classification Scheme 2023. Collection method: clinical testing. Allele origin: germline. Not counted in ClinVar's aggregate classification.
Comment: The p.R224W pathogenic mutation (also known as c.670C>T), located in coding exon 2 of the GAA gene, results from a C to T substitution at nucleotide position 670. The arginine at codon 224 is replaced by tryptophan, an amino acid with dissimilar properties. This variant has been identified in the homozygous state and/or in conjunction with other GAA variant(s) in individual(s) with features consistent with glycogen storage disease II; in at least one instance, the variants were identified in trans (Pittis MG et al. Am J Med Genet A, 2003 Sep;121A:225-30; Zouheir Habbal M et al. BMJ Case Rep, 2013 Apr;2013; Pezzoli L et al. J Cardiovasc Dev Dis, 2021 Dec;9; Kishnani PS et al. Genet Med, 2019 Nov;21:2543-2551; de Faria DOS et al. Hum Mutat, 2021 Feb;42:119-134). In assays testing GAA function, this variant showed a functionally abnormal result (Pittis MG et al. Am J Med Genet A, 2003 Sep;121A:225-30; de Faria DOS et al. Hum Mutat, 2021 Feb;42:119-134; Goomber S et al. Front Genet, 2022 Sep;13:1001154). This amino acid position is highly conserved in available vertebrate species. In addition, this alteration is predicted to be deleterious by in silico analysis. This variant is considered to be rare based on population cohorts in the Genome Aggregation Database (gnomAD). Based on the supporting evidence, this variant is interpreted as a disease-causing mutation.

Mayo Clinic Laboratories, Mayo Clinic
Classification: Pathogenic. Last evaluated: 2025-02-13. Review status: criteria provided, single submitter. Criteria: ACMG Guidelines, 2015. Collection method: clinical testing. Allele origin: germline. Observed: 2 variant alleles. Not counted in ClinVar's aggregate classification.
Comment: PP4, PM2_supporting, PM3_strong, PM5, PS3

Blueprint Genetics
Classification: Pathogenic for GAA-related disorders. Last evaluated: 2024-03-26. Review status: criteria provided, single submitter. Criteria: ACMG Guidelines, 2015. Collection method: clinical testing. Allele origin: germline. Affected: yes. Observed: 1 variant allele. Not counted in ClinVar's aggregate classification.

GeneDx
Classification: Pathogenic. Last evaluated: 2024-02-27. Review status: criteria provided, single submitter. Criteria: GeneDx Variant Classification Process June 2021. Collection method: clinical testing. Allele origin: germline. Affected: yes. Not counted in ClinVar's aggregate classification.
Comment: Published functional studies found this variant is associated with significantly reduced enzyme activity (PMID: 14643388, 33560568, 19862843); Not observed at significant frequency in large population cohorts (gnomAD); In silico analysis supports that this missense variant has a deleterious effect on protein structure/function; This variant is associated with the following publications: (PMID: 14643388, 25026126, 19862843, 12923862, 18429042, 26830551, 30564623, 35050212, 31086307, 36246652, 30275481, 19343043, 22253258, 33741225, 34530085, 33560568, 29422078, 34852371, 23632174, 22521436)